The following is an entry in ClinVar:

ClinVar aggregate classification (germline): Pathogenic. Review status: criteria provided, single submitter (1 of 4 stars). 2 submissions from 2 submitters: Pathogenic (1). 1 of the submissions does not count toward it. Last evaluated 2025-03-30.

Conditions:
PGM1-congenital disorder of glycosylation. Also called: Congenital disorder of glycosylation type 1t; PHOSPHOGLUCOMUTASE 1 DEFICIENCY; PGM1 DEFICIENCY; GLYCOGEN STORAGE DISEASE XIV; GSD XIV; CDG It. Identifiers: Orphanet 319646, MedGen C2752015, MONDO:0013968, OMIM 614921.

Allele frequency attached by ClinVar (database versions not stated): gnomAD 0.00001; TOPMed 0.00001.
gnomAD v4.1: 3 of 1,614,012 alleles (0.00019%); highest among the groups gnomAD compares: Admixed American, 0.0033%; no homozygotes.

Submissions (2):

Labcorp Genetics (formerly Invitae), Labcorp
Classification: Pathogenic for PGM1-congenital disorder of glycosylation. Last evaluated: 2025-03-30. Review status: criteria provided, single submitter. Criteria: Invitae Variant Classification Sherloc (09022015). Collection method: clinical testing. Allele origin: germline.
Comment: This sequence change replaces leucine, which is neutral and non-polar, with proline, which is neutral and non-polar, at codon 516 of the PGM1 protein (p.Leu516Pro). This variant is not present in population databases (gnomAD no frequency). This missense change has been observed in individual(s) with PGM1-congenital disorder of glycosylation (PMID: 24499211). It has also been observed to segregate with disease in related individuals. ClinVar contains an entry for this variant (Variation ID: 133286). Invitae Evidence Modeling of protein sequence and biophysical properties (such as structural, functional, and spatial information, amino acid conservation, physicochemical variation, residue mobility, and thermodynamic stability) indicates that this missense variant is expected to disrupt PGM1 protein function with a positive predictive value of 80%. Experimental studies have shown that this missense change affects PGM1 function (PMID: 25288802). For these reasons, this variant has been classified as Pathogenic.

OMIM
Classification: Pathogenic for CONGENITAL DISORDER OF GLYCOSYLATION, TYPE It. Last evaluated: 2014-02-06. Review status: no assertion criteria provided. Collection method: literature only. Allele origin: germline. Not counted in ClinVar's aggregate classification.

Literature cited by the submitters: PubMed 24499211 (cited by Labcorp Genetics (formerly Invitae), Labcorp and OMIM); PubMed 25288802 (cited by Labcorp Genetics (formerly Invitae), Labcorp).

NM_002633.3(PGM1):c.1547T>C (p.Leu516Pro)

Gene: PGM1 (phosphoglucomutase 1; plus strand). Cytogenetic location: 1p31.3.
Variant type: single nucleotide variant.
Coding change: c.1547T>C on transcript NM_002633.3 (MANE Select); coding-DNA position 1547, T replaced by C.
Protein change: p.Leu516Pro; replaces leucine 516 with proline.
Molecular consequence: missense variant.
Genome position (GRCh38, 1-based): chr1:63,654,414, T>C. VCF-style: chr1-63654414-T-C. GRCh37 (hg19) VCF-style: chr1-64120085-T-C.
Other names: c.1601T>C, p.Leu534Pro (NM_001172818.1); c.956T>C, p.Leu319Pro (NM_001172819.2); short protein forms L516P, L319P, L534P.
Identifiers: ClinVar variation 133286 (VCV000133286.3), dbSNP rs587777401, ClinGen allele CA156390.